The following is an entry in ClinVar:

ClinVar aggregate classification (germline): Likely pathogenic (1 of 4 stars; one submission).

Conditions:
Brain small vessel disease 1 with or without ocular anomalies (BSVD1). Also called: Brain small vessel disease with or without ocular anomalies; PORENCEPHALY, TYPE 1, AUTOSOMAL DOMINANT; BRAIN SMALL VESSEL DISEASE WITH HEMORRHAGE; GOULD SYNDROME 1. Identifiers: Orphanet 2940, Orphanet 36383, Orphanet 99810, MedGen C4755307, MONDO:0008289, OMIM 175780.

Submission:

OLLIN Analises Genomicas, OLLIN
Classification: Likely pathogenic for Brain small vessel disease 1 with or without ocular anomalies. Last evaluated: 2026-08-06. Review status: criteria provided, single submitter. Criteria: ACMG Guidelines 2015 PMID 25741868. Collection method: clinical testing. Allele origin: germline. Inheritance: Autosomal dominant inheritance.
Comment: This missense variant, located in exon 38 (of 52), is absent from gnomAD and ClinVar and has not been identified in the literature. In silico analysis predicts that this variant has a deleterious effect. This gene is constrained for missense variation. According to the currently available evidence, this variant has been classified as likely pathogenic (PM2_P, PP2, PP3_S).

NM_001845.6(COL4A1):c.3325G>A (p.Gly1109Arg)

Gene: COL4A1 (collagen type IV alpha 1 chain; minus strand). Cytogenetic location: 13q34.
Variant type: single nucleotide variant.
Coding change: c.3325G>A on transcript NM_001845.6 (MANE Select); coding-DNA position 3325, G replaced by A.
Protein change: p.Gly1109Arg; replaces glycine 1109 with arginine.
Molecular consequence: missense variant.
Genome position (GRCh38, 1-based): chr13:110,174,623, C>T on the plus strand (G>A on the coding strand, the complement: COL4A1 is on the minus strand). VCF-style: chr13-110174623-C-T. GRCh37 (hg19) VCF-style: chr13-110826970-C-T.
Other names: short protein forms G1109R.
Identifiers: ClinVar variation 5002843 (VCV005002843.1).